The following is an entry in ClinVar:

ClinVar aggregate classification (germline): Conflicting classifications of pathogenicity. Review status: criteria provided, conflicting classifications (1 of 4 stars). 17 submissions from 16 submitters: Uncertain significance (1); Benign (4); Likely benign (7). 5 of the submissions do not count toward it. Last evaluated 2026-09-01.

Conditions:
Basal cell nevus syndrome 1 (BCNS1). Also called: GORLIN-GOLTZ SYNDROME; MULTIPLE BASAL CELL NEVI, ODONTOGENIC KERATOCYSTS, AND SKELETAL ANOMALIES. Identifiers: MedGen CN376810, MONDO:0958174, OMIM 109400.
Basal cell carcinoma, susceptibility to, 1. Also called: BCC1. Identifiers: MedGen C2751544, MONDO:0011556, OMIM 605462.
Hereditary cancer-predisposing syndrome. Also called: Neoplastic Syndromes, Hereditary; Hereditary neoplastic syndrome; Hereditary Cancer Syndrome; Tumor predisposition. Identifiers: Orphanet 140162, MedGen C0027672, MeSH D009386, MONDO:0015356.
Holoprosencephaly 7 (HPE7). Identifiers: Orphanet 2162, MedGen C1835820, MONDO:0012562, OMIM 610828.
Gorlin syndrome. Also called: Basal cell nevus syndrome; Nevoid Basal Cell Carcinoma Syndrome. Identifiers: Orphanet 377, MedGen C0004779, MONDO:0007187.

Allele frequency attached by ClinVar (database versions not stated): ESP Exome Variant Server 0.00038; gnomAD 0.00060 and 0.00043; gnomAD exomes 0.00078 and 0.00128; 1000 Genomes Project 30x 0.00094; TOPMed 0.00041; ExAC 0.00140; 1000 Genomes Project 0.00120.
gnomAD v4.1: 1,263 of 1,614,026 alleles (0.078%); highest among the groups gnomAD compares: South Asian, 0.56%; 7 homozygotes.

Submissions (17):

CeGaT Center for Human Genetics Tuebingen
Classification: Likely benign. Last evaluated: 2026-09-01. Review status: criteria provided, single submitter. Criteria: CeGaT Center For Human Genetics Tuebingen Variant Classification Criteria Version 2. Collection method: clinical testing. Allele origin: germline. Affected: yes. Observed: 24 variant alleles.
Comment: PTCH1: BP4, BS1

Labcorp Genetics (formerly Invitae), Labcorp
Classification: Benign for Gorlin syndrome. Last evaluated: 2026-02-03. Review status: criteria provided, single submitter. Criteria: Invitae Variant Classification Sherloc (09022015). Collection method: clinical testing. Allele origin: germline.

Quest Diagnostics Nichols Institute San Juan Capistrano
Classification: Benign. Last evaluated: 2025-08-04. Review status: criteria provided, single submitter. Criteria: Quest Diagnostics criteria. Collection method: clinical testing. Allele origin: unknown.

Center for Genomic Medicine, Rigshospitalet, Copenhagen University Hospital
Classification: Likely benign. Last evaluated: 2025-03-04. Review status: criteria provided, single submitter. Criteria: ACMG Guidelines, 2015. Collection method: clinical testing. Allele origin: germline.

Blueprint Genetics
Classification: Likely benign. Last evaluated: 2024-11-27. Review status: criteria provided, single submitter. Criteria: ACMG Guidelines, 2015. Collection method: clinical testing. Allele origin: germline.

Institute for Clinical Genetics, University Hospital TU Dresden, University Hospital TU Dresden
Classification: Uncertain significance. Last evaluated: 2021-11-03. Review status: criteria provided, single submitter. Criteria: ACMG Guidelines, 2015. Collection method: clinical testing. Allele origin: germline.

Sema4
Classification: Likely benign for Hereditary cancer-predisposing syndrome. Last evaluated: 2021-07-21. Review status: criteria provided, single submitter. Criteria: Sema4 Curation Guidelines. Collection method: curation. Allele origin: germline.

Department of Pathology and Laboratory Medicine, Sinai Health System
Classification: Likely benign for Basal cell nevus syndrome 1; Basal cell carcinoma, susceptibility to, 1. Last evaluated: 2021-07-02. Review status: criteria provided, single submitter. Criteria: ACMG Guidelines, 2015. Collection method: clinical testing. Allele origin: germline. Affected: yes.

Ambry Genetics
Classification: Likely benign for Hereditary cancer-predisposing syndrome. Last evaluated: 2018-06-22. Review status: criteria provided, single submitter. Criteria: Ambry Variant Classification Scheme 2023. Collection method: clinical testing. Allele origin: germline.

Illumina Laboratory Services, Illumina
Classification: Benign for Holoprosencephaly 7. Last evaluated: 2018-01-12. Review status: criteria provided, single submitter. Criteria: ICSL Variant Classification Criteria 13 December 2019. Collection method: clinical testing. Allele origin: germline.
Comment: This variant was observed in the ICSL laboratory as part of a predisposition screen in an ostensibly healthy population. It had not been previously curated by ICSL or reported in the Human Gene Mutation Database (HGMD: prior to June 1st, 2018), and was therefore a candidate for classification through an automated scoring system. Utilizing variant allele frequency, disease prevalence and penetrance estimates, and inheritance mode, an automated score was calculated to assess if this variant is too frequent to cause the disease. Based on the score and internal cut-off values, a variant classified as benign is not then subjected to further curation. The score for this variant resulted in a classification of benign for this disease.

Illumina Laboratory Services, Illumina
Classification: Benign for Basal cell nevus syndrome 1. Last evaluated: 2018-01-12. Review status: criteria provided, single submitter. Criteria: ICSL Variant Classification Criteria 13 December 2019. Collection method: clinical testing. Allele origin: germline.
Comment: the same text as in the submission from Illumina Laboratory Services, Illumina above.

GeneDx
Classification: Likely benign. Last evaluated: 2017-08-24. Review status: criteria provided, single submitter. Criteria: GeneDx Variant Classification (06012015). Collection method: clinical testing. Allele origin: germline. Affected: yes.
Comment: This variant is considered likely benign or benign based on one or more of the following criteria: it is a conservative change, it occurs at a poorly conserved position in the protein, it is predicted to be benign by multiple in silico algorithms, and/or has population frequency not consistent with disease.

ITMI
No classification provided. Condition: AllHighlyPenetrant. Last evaluated: 2013-09-19. Review status: no classification provided. Collection method: reference population. Allele origin: germline. Not counted in ClinVar's aggregate classification.
Comment: Please see associated publication for description of ethnicities

Biesecker Lab/Clinical Genomics Section, National Institutes of Health
Classification: Uncertain significance. Last evaluated: 2012-07-13. Review status: no assertion criteria provided. Collection method: research. Allele origin: germline. Affected: no. Observed: 2 variant alleles. Study: ClinSeq. Not counted in ClinVar's aggregate classification.
ClinVar note: Converted during submission from variant of unknown significance to Uncertain significance.

Clinical Genetics DNA and cytogenetics Diagnostics Lab, Erasmus MC, Erasmus Medical Center
Classification: Likely benign. Review status: no assertion criteria provided. Collection method: clinical testing. Allele origin: germline. Affected: yes. Study: VKGL Data-share Consensus. Not counted in ClinVar's aggregate classification.

Genome Diagnostics Laboratory, Amsterdam University Medical Center
Classification: Likely benign. Review status: no assertion criteria provided. Collection method: clinical testing. Allele origin: germline. Affected: yes. Study: VKGL Data-share Consensus. Not counted in ClinVar's aggregate classification.

Laboratory of Diagnostic Genome Analysis, Leiden University Medical Center (LUMC)
Classification: Likely benign. Review status: no assertion criteria provided. Collection method: clinical testing. Allele origin: germline. Affected: yes. Study: VKGL Data-share Consensus. Not counted in ClinVar's aggregate classification.

Literature cited by the submitters: PubMed 24728327 (cited by 4 submitters); PubMed 34130653 (cited by Quest Diagnostics Nichols Institute San Juan Capistrano); PubMed 33558524 (cited by Quest Diagnostics Nichols Institute San Juan Capistrano); PubMed 34482403 (cited by Quest Diagnostics Nichols Institute San Juan Capistrano); PubMed 9463336 (cited by Ambry Genetics).

NM_000264.5(PTCH1):c.4324C>T (p.Arg1442Trp)

Gene: PTCH1 (patched 1; minus strand). Cytogenetic location: 9q22.32.
Variant type: single nucleotide variant.
Coding change: c.4324C>T on transcript NM_000264.5 (MANE Select); coding-DNA position 4324, C replaced by T.
Protein change: p.Arg1442Trp; replaces arginine 1442 with tryptophan.
Molecular consequence: missense variant. On other transcripts: non-coding transcript variant (1).
Genome position (GRCh38, 1-based): chr9:95,446,932, G>A on the plus strand (C>T on the coding strand, the complement: PTCH1 is on the minus strand). VCF-style: chr9-95446932-G-A. GRCh37 (hg19) VCF-style: chr9-98209214-G-A.
Other names: c.4126C>T, p.Arg1376Trp (NM_001083602.3); c.4321C>T, p.Arg1441Trp (NM_001083603.3); c.3871C>T, p.Arg1291Trp (NM_001083604.3, NM_001083605.3, NM_001083606.3 and 1 more transcripts); c.4168C>T, p.Arg1390Trp (NM_001354918.2); short protein forms R1376W, R1442W, R1291W, R1390W, R1441W.
Identifiers: ClinVar variation 41666 (VCV000041666.57), dbSNP rs143464326, ClinGen allele CA161734.
Genomic context (GRCh38, chr9:95,446,932, plus strand): 5'-GCTCTAGGTCCCTTGGCTGCCCTTGTCAGTGGCACTCACCTCAGTTGGAGCTGCTTCCCC[G>A]GGGCCTCTCCTCGCATTCCACGTCCTGCAGCTCAATGACTTCCACCTTCGAATCCCTCCT-3'
Protein context (NP_000255.2, residues 1432-1447): LQDVECEERP[Arg1442Trp]GSSSN